The following is an entry in ClinVar:

ClinVar aggregate classification (germline): Conflicting classifications of pathogenicity. Review status: criteria provided, conflicting classifications (1 of 4 stars). 3 submissions from 3 submitters: Uncertain significance (1); Benign (1); Likely benign (1). Last evaluated 2025-10-06.

Conditions:
Early-infantile DEE. Also called: Early infantile epileptic encephalopathy with suppression bursts; Ohtahara syndrome; Early infantile epileptic encephalopathy. Identifiers: Orphanet 1934, MedGen C0393706, MONDO:0800491.
Developmental and epileptic encephalopathy, 5 (DEE5). Identifiers: Orphanet 3451, MedGen C3150731, MONDO:0013277, OMIM 613477.

Allele frequency attached by ClinVar (database versions not stated): gnomAD 0.00001 and 0.00002; TOPMed 0.00002; 1000 Genomes Project 30x 0.00016; 1000 Genomes Project 0.00020.
gnomAD v4.1: 20 of 1,607,312 alleles (0.0012%); highest among the groups gnomAD compares: East Asian, 0.022%; no homozygotes.

Submissions (3):

Labcorp Genetics (formerly Invitae), Labcorp
Classification: Benign for Early-infantile DEE. Last evaluated: 2025-10-06. Review status: criteria provided, single submitter. Criteria: Invitae Variant Classification Sherloc (09022015). Collection method: clinical testing. Allele origin: germline.

Genome-Nilou Lab
Classification: Likely benign for Developmental and epileptic encephalopathy, 5. Last evaluated: 2021-07-15. Review status: criteria provided, single submitter. Criteria: ACMG Guidelines, 2015. Collection method: clinical testing. Allele origin: germline. Affected: no.

GeneDx
Classification: Uncertain significance. Last evaluated: 2016-11-30. Review status: criteria provided, single submitter. Criteria: GeneDx Variant Classification (06012015). Collection method: clinical testing. Allele origin: germline. Affected: yes.
Comment: The R1054H variant in the SPTAN1 gene has not been reported previously as a pathogenic variant, nor as a benign variant, to our knowledge. The R1054H variant was not observed in approximately 6500 individuals of European and African American ancestry in the NHLBI Exome Sequencing Project, indicating it is not a common benign variant in these populations. The R1054H variant is a conservative amino acid substitution, which occurs at a position that is not conserved. In silico analysis is inconsistent in its predictions as to whether or not the variant is damaging to the protein structure/function. We interpret R1054H as a variant of uncertain significance.

NM_001130438.3(SPTAN1):c.3161G>A (p.Arg1054His)

Gene: SPTAN1 (spectrin alpha, non-erythrocytic 1; plus strand). Cytogenetic location: 9q34.11.
Variant type: single nucleotide variant.
Coding change: c.3161G>A on transcript NM_001130438.3 (MANE Select); coding-DNA position 3161, G replaced by A.
Protein change: p.Arg1054His; replaces arginine 1054 with histidine.
Molecular consequence: missense variant. On other transcripts: intron variant (2).
Genome position (GRCh38, 1-based): chr9:128,592,988, G>A. VCF-style: chr9-128592988-G-A. GRCh37 (hg19) VCF-style: chr9-131355267-G-A.
Other names: c.3161G>A, p.Arg1054His (NM_001363759.2, NM_003127.4); c.3156-1187G>A (NM_001363765.2, NM_001195532.2); short protein forms R1054H.
Identifiers: ClinVar variation 373461 (VCV000373461.13), dbSNP rs561564501, ClinGen allele CA5264866.